The following is an entry in ClinVar:

NM_001101426.4(CRPPA):c.303C>A (p.Asn101Lys)

Gene: CRPPA (CDP-L-ribitol pyrophosphorylase A; minus strand). Cytogenetic location: 7p21.2.
Variant type: single nucleotide variant.
Coding change: c.303C>A on transcript NM_001101426.4 (MANE Select); coding-DNA position 303, C replaced by A.
Protein change: p.Asn101Lys; replaces asparagine 101 with lysine.
Molecular consequence: missense variant. On other transcripts: non-coding transcript variant (1).
Genome position (GRCh38, 1-based): chr7:16,406,292, G>T on the plus strand (C>A on the coding strand, the complement: CRPPA is on the minus strand). VCF-style: chr7-16406292-G-T. GRCh37 (hg19) VCF-style: chr7-16445917-G-T.
Other names: c.303C>A, p.Asn101Lys (NM_001101417.4, NM_001368197.1); short protein forms N101K.
Identifiers: ClinVar variation 1680801 (VCV001680801.8), dbSNP rs1787953727, ClinGen allele CA367002829.
Genomic context (GRCh38, chr7:16,406,292, plus strand): 5'-TTCGACCAGTGAGATGCGTTTATGCTGATACTTCTGAATAATACTTTTCATTACTTCCAT[G>T]TTCTCTCCAGTTACTGCCACAACAATGTCCTTTATCCAACATACTCTAAAAGGAAAGTAT-3'
Protein context (NP_001094896.1, residues 91-111): KDIVVAVTGE[Asn101Lys]MEVMKSIIQK

ClinVar aggregate classification (germline): Uncertain significance (1 of 4 stars; one submission).

Conditions:
Muscular dystrophy-dystroglycanopathy (congenital with brain and eye anomalies), type A, 7. Also called: WALKER-WARBURG SYNDROME OR MUSCLE-EYE-BRAIN DISEASE, ISPD-RELATED; Congenital muscular dystrophy-dystroglycanopathy with brain and eye anomalies, type A7. Identifiers: Orphanet 899, MedGen C3553330, MONDO:0013835, OMIM 614643.
Autosomal recessive limb-girdle muscular dystrophy type 2U. Also called: Muscular dystrophy-dystroglycanopathy (limb-girdle), type c, 7; MUSCULAR DYSTROPHY, LIMB-GIRDLE, TYPE 2U. Identifiers: Orphanet 352479, MedGen C5190987, MONDO:0014474, OMIM 616052.

Submission:

Labcorp Genetics (formerly Invitae), Labcorp
Classification: Uncertain significance for Muscular dystrophy-dystroglycanopathy (congenital with brain and eye anomalies), type A, 7; Autosomal recessive limb-girdle muscular dystrophy type 2U. Last evaluated: 2021-04-16. Review status: criteria provided, single submitter. Criteria: Invitae Variant Classification Sherloc (09022015). Collection method: clinical testing. Allele origin: germline.
Comment: In summary, the available evidence is currently insufficient to determine the role of this variant in disease. Therefore, it has been classified as a Variant of Uncertain Significance. Algorithms developed to predict the effect of missense changes on protein structure and function are either unavailable or do not agree on the potential impact of this missense change (SIFT: "Deleterious"; PolyPhen-2: "Benign"; Align-GVGD: "Class C25"). This variant has not been reported in the literature in individuals with ISPD-related conditions. This variant is not present in population databases (ExAC no frequency). This sequence change replaces asparagine with lysine at codon 101 of the ISPD protein (p.Asn101Lys). The asparagine residue is highly conserved and there is a moderate physicochemical difference between asparagine and lysine.